The following is an entry in ClinVar:

NM_020975.6(RET):c.1875C>G (p.Ile625Met)

Gene: RET (ret proto-oncogene; plus strand). Cytogenetic location: 10q11.21.
Variant type: single nucleotide variant.
Coding change: c.1875C>G on transcript NM_020975.6 (MANE Select); coding-DNA position 1875, C replaced by G.
Protein change: p.Ile625Met; replaces isoleucine 625 with methionine.
Molecular consequence: missense variant. On other transcripts: intron variant (2).
Genome position (GRCh38, 1-based): chr10:43,113,671, C>G. VCF-style: chr10-43113671-C-G. GRCh37 (hg19) VCF-style: chr10-43609119-C-G.
Other names: c.1875C>G, p.Ile625Met (NM_001406765.1, NM_020629.2, NM_001406743.1 and 6 more transcripts); c.1587C>G, p.Ile529Met (NM_001406766.1, NM_001406767.1, NM_001406770.1); c.1746C>G, p.Ile582Met (NM_001406768.1, NM_001406761.1, NM_001406762.1 and 1 more transcripts); c.1479C>G, p.Ile493Met (NM_001406769.1, NM_001406772.1); c.1437C>G, p.Ile479Met (NM_001406771.1, NM_001406773.1); c.1350C>G, p.Ile450Met (NM_001406774.1); c.885C>G, p.Ile295Met (NM_001406784.1); c.849C>G, p.Ile283Met (NM_001406786.1, NM_001406783.1); and 7 more; short protein forms I142M, I283M, I295M, I383M, I529M, I326M, I230M, I450M.
Identifiers: ClinVar variation 3022598 (VCV003022598.3), dbSNP rs2132831939, ClinGen allele CA376552859.

ClinVar aggregate classification (germline): Uncertain significance (1 of 4 stars; one submission).

Conditions:
Multiple endocrine neoplasia, type 2 (MEN2). Identifiers: Orphanet 653, MedGen C4048306, MONDO:0019003. Disease mechanism: gain of function.

Submission:

Labcorp Genetics (formerly Invitae), Labcorp
Classification: Uncertain significance for Multiple endocrine neoplasia, type 2. Last evaluated: 2023-03-16. Review status: criteria provided, single submitter. Criteria: Invitae Variant Classification Sherloc (09022015). Collection method: clinical testing. Allele origin: germline.
Comment: This sequence change replaces isoleucine, which is neutral and non-polar, with methionine, which is neutral and non-polar, at codon 625 of the RET protein (p.Ile625Met). In summary, the available evidence is currently insufficient to determine the role of this variant in disease. Therefore, it has been classified as a Variant of Uncertain Significance. An algorithm developed to predict the effect of missense changes on protein structure and function (PolyPhen-2) suggests that this variant is likely to be tolerated. This variant has not been reported in the literature in individuals affected with RET-related conditions. This variant is not present in population databases (gnomAD no frequency).